The following is an entry in ClinVar:

NM_007254.4(PNKP):c.1163C>T (p.Ser388Leu)

Gene: PNKP (polynucleotide kinase 3'-phosphatase; minus strand). Cytogenetic location: 19q13.33.
Variant type: single nucleotide variant.
Coding change: c.1163C>T on transcript NM_007254.4 (MANE Select); coding-DNA position 1163, C replaced by T.
Protein change: p.Ser388Leu; replaces serine 388 with leucine.
Molecular consequence: missense variant.
Genome position (GRCh38, 1-based): chr19:49,862,069, G>A on the plus strand (C>T on the coding strand, the complement: PNKP is on the minus strand). VCF-style: chr19-49862069-G-A. GRCh37 (hg19) VCF-style: chr19-50365326-G-A.
Other names: short protein forms S388L.
Identifiers: ClinVar variation 1373007 (VCV001373007.6), dbSNP rs146311500, ClinGen allele CA9586567.

ClinVar aggregate classification (germline): Uncertain significance. Review status: criteria provided, multiple submitters, no conflicts (2 of 4 stars). 3 submissions from 3 submitters: Uncertain significance (3). Last evaluated 2025-12-08.

Conditions:
Developmental and epileptic encephalopathy, 12 (DEE12). Identifiers: MedGen C3150988, MONDO:0013389, OMIM 613722.

Allele frequency attached by ClinVar (database versions not stated): gnomAD exomes 0.00002; TOPMed 0.00003; gnomAD 0.00005; ESP Exome Variant Server 0.00031.
gnomAD v4.1: 42 of 1,614,010 alleles (0.0026%); highest among the groups gnomAD compares: South Asian, 0.014%; no homozygotes.

Submissions (3):

Women's Health and Genetics/Laboratory Corporation of America, LabCorp
Classification: Uncertain significance. Last evaluated: 2025-12-08. Review status: criteria provided, single submitter. Criteria: LabCorp Variant Classification Summary - May 2015. Collection method: clinical testing. Allele origin: germline.
Comment: Variant summary: PNKP c.1163C>T (p.Ser388Leu) results in a non-conservative amino acid change in the encoded protein sequence. Algorithms developed to predict the effect of missense changes on protein structure and function are either unavailable or do not agree on the potential impact of this missense change. The variant allele was found at a frequency of 3.6e-05 in 251434 control chromosomes. The available data on variant occurrences in the general population are insufficient to allow any conclusion about variant significance. To our knowledge, no occurrence of c.1163C>T in individuals affected with PNKP-related conditions and no experimental evidence demonstrating its impact on protein function have been reported. ClinVar contains an entry for this variant (Variation ID: 1373007). Based on the evidence outlined above, the variant was classified as uncertain significance.

Labcorp Genetics (formerly Invitae), Labcorp
Classification: Uncertain significance for Developmental and epileptic encephalopathy, 12. Last evaluated: 2023-08-17. Review status: criteria provided, single submitter. Criteria: Invitae Variant Classification Sherloc (09022015). Collection method: clinical testing. Allele origin: germline.
Comment: This sequence change replaces serine, which is neutral and polar, with leucine, which is neutral and non-polar, at codon 388 of the PNKP protein (p.Ser388Leu). This variant is present in population databases (rs146311500, gnomAD 0.01%). This variant has not been reported in the literature in individuals affected with PNKP-related conditions. ClinVar contains an entry for this variant (Variation ID: 1373007). Advanced modeling of protein sequence and biophysical properties (such as structural, functional, and spatial information, amino acid conservation, physicochemical variation, residue mobility, and thermodynamic stability) performed at Invitae indicates that this missense variant is not expected to disrupt PNKP protein function. In summary, the available evidence is currently insufficient to determine the role of this variant in disease. Therefore, it has been classified as a Variant of Uncertain Significance.

Blueprint Genetics
Classification: Uncertain significance. Last evaluated: 2022-05-05. Review status: criteria provided, single submitter. Criteria: ACMG Guidelines, 2015. Collection method: clinical testing. Allele origin: germline.